The following is an entry in ClinVar:

ClinVar aggregate classification (germline): Likely benign (1 of 4 stars; one submission).

Allele frequency attached by ClinVar (database versions not stated): 1000 Genomes Project 30x 0.00078; 1000 Genomes Project 0.00080; TOPMed 0.00202; gnomAD 0.00206; ExAC 0.00228; ESP Exome Variant Server 0.00323; gnomAD exomes 0.00348.
gnomAD v4.1: 5,375 of 1,614,100 alleles (0.33%); highest among the groups gnomAD compares: Non-Finnish European, 0.41%; 15 homozygotes.

Submission:

CeGaT Center for Human Genetics Tuebingen
Classification: Likely benign. Last evaluated: 2024-03-01. Review status: criteria provided, single submitter. Criteria: CeGaT Center For Human Genetics Tuebingen Variant Classification Criteria Version 2. Collection method: clinical testing. Allele origin: germline. Affected: yes. Observed: 1 variant allele.
Comment: GBP1: BP4, BP7

NM_002053.3(GBP1):c.348C>T (p.Phe116=)

Gene: GBP1 (guanylate binding protein 1; minus strand). Cytogenetic location: 1p22.2.
Variant type: single nucleotide variant.
Coding change: c.348C>T on transcript NM_002053.3 (MANE Select); coding-DNA position 348, C replaced by T.
Protein change: p.Phe116=; no amino-acid change (phenylalanine 116 retained).
Molecular consequence: synonymous variant.
Genome position (GRCh38, 1-based): chr1:89,059,397, G>A on the plus strand (C>T on the coding strand, the complement: GBP1 is on the minus strand). VCF-style: chr1-89059397-G-A. GRCh37 (hg19) VCF-style: chr1-89525080-G-A.
Identifiers: ClinVar variation 3067180 (VCV003067180.21), dbSNP rs150201512, ClinGen allele CA940072.